The following is an entry in ClinVar:

ClinVar aggregate classification (germline): Pathogenic. Review status: criteria provided, multiple submitters, no conflicts (2 of 4 stars). 2 submissions from 2 submitters: Pathogenic (2). Last evaluated 2025-10-21.

Conditions:
UNC80-related disorder. Also called: UNC80-related condition.

Allele frequency attached by ClinVar (database versions not stated): gnomAD 0.00001; gnomAD exomes 0.00001; TOPMed 0.00001; ExAC 0.00005; 1000 Genomes Project 0.00020; 1000 Genomes Project 30x 0.00031.
gnomAD v4.1: 15 of 1,551,384 alleles (0.00097%); highest among the groups gnomAD compares: Non-Finnish European, 0.0012%; no homozygotes.

Submissions (2):

GeneDx
Classification: Pathogenic. Last evaluated: 2025-10-21. Review status: criteria provided, single submitter. Criteria: GeneDx Variant Classification Process June 2021. Collection method: clinical testing. Allele origin: germline. Affected: yes.
Comment: Has not been previously published as pathogenic or benign to our knowledge; Nonsense variant predicted to result in protein truncation or nonsense mediated decay in a gene for which loss of function is a known mechanism of disease; Not observed at significant frequency in large population cohorts (gnomAD)

Labcorp Genetics (formerly Invitae), Labcorp
Classification: Pathogenic. Last evaluated: 2024-06-22. Review status: criteria provided, single submitter. Criteria: Invitae Variant Classification Sherloc (09022015). Collection method: clinical testing. Allele origin: germline.
Comment: This sequence change creates a premature translational stop signal (p.Arg843*) in the UNC80 gene. It is expected to result in an absent or disrupted protein product. Loss-of-function variants in UNC80 are known to be pathogenic (PMID: 26545877, 26708751, 26708753). This variant is present in population databases (rs74517001, gnomAD 0.002%). This variant has not been reported in the literature in individuals affected with UNC80-related conditions. ClinVar contains an entry for this variant (Variation ID: 432358). For these reasons, this variant has been classified as Pathogenic.

Literature cited by the submitters: PubMed 26545877 (cited by Labcorp Genetics (formerly Invitae), Labcorp); PubMed 26708751 (cited by Labcorp Genetics (formerly Invitae), Labcorp); PubMed 26708753 (cited by Labcorp Genetics (formerly Invitae), Labcorp).

NM_001371986.1(UNC80):c.2527C>T (p.Arg843Ter)

Gene: UNC80 (unc-80 subunit of NALCN channel complex; plus strand). Cytogenetic location: 2q34.
Variant type: single nucleotide variant.
Coding change: c.2527C>T on transcript NM_001371986.1 (MANE Select); coding-DNA position 2527, C replaced by T.
Protein change: p.Arg843Ter; replaces arginine 843 with a stop codon.
Molecular consequence: nonsense.
Genome position (GRCh38, 1-based): chr2:209,829,280, C>T. VCF-style: chr2-209829280-C-T. GRCh37 (hg19) VCF-style: chr2-210694004-C-T.
Other names: c.2527C>T, p.Arg843Ter (NM_032504.2); c.2512C>T, p.Arg838Ter (NM_182587.4); short protein forms R843*, R838*.
Identifiers: ClinVar variation 432358 (VCV000432358.11), dbSNP rs74517001, ClinGen allele CA2083031.